The following is an entry in ClinVar:

NM_153252.5(BRWD3):c.2047C>T (p.Leu683=)

Gene: BRWD3 (bromodomain and WD repeat domain containing 3; minus strand). Cytogenetic location: Xq21.1.
Variant type: single nucleotide variant.
Coding change: c.2047C>T on transcript NM_153252.5 (MANE Select); coding-DNA position 2047, C replaced by T.
Protein change: p.Leu683=; no amino-acid change (leucine 683 retained).
Molecular consequence: synonymous variant.
Genome position (GRCh38, 1-based): chrX:80,717,757, G>A on the plus strand (C>T on the coding strand, the complement: BRWD3 is on the minus strand). VCF-style: chrX-80717757-G-A. GRCh37 (hg19) VCF-style: chrX-79973256-G-A.
Other names: c.2047C>T, p.Leu683= (NM_001441339.1).
Identifiers: ClinVar variation 4891204 (VCV004891204.1).

ClinVar aggregate classification (germline): Uncertain significance (1 of 4 stars; one submission).

Submission:

Greenwood Genetic Center Diagnostic Laboratories, Greenwood Genetic Center
Classification: Uncertain significance. Last evaluated: 2026-04-09. Review status: criteria provided, single submitter. Criteria: ACMG Guidelines, 2015. Collection method: clinical testing. Allele origin: germline.
Comment: PM2, BP4